The following is an entry in ClinVar:

ClinVar aggregate classification (germline): Uncertain significance (1 of 4 stars; one submission).

Allele frequency attached by ClinVar (database versions not stated): gnomAD exomes below 0.00001; gnomAD 0.00001; TOPMed 0.00001.
gnomAD v4.1: 5 of 1,614,068 alleles (0.00031%); highest among the groups gnomAD compares: African/African-American, 0.004%; no homozygotes.

Submission:

Ambry Genetics
Classification: Uncertain significance. Last evaluated: 2024-04-30. Review status: criteria provided, single submitter. Criteria: Ambry Variant Classification Scheme 2023. Collection method: clinical testing. Allele origin: germline.
Comment: The p.V1956M variant (also known as c.5866G>A), located in coding exon 8 of the ALPK2 gene, results from a G to A substitution at nucleotide position 5866. The valine at codon 1956 is replaced by methionine, an amino acid with highly similar properties. This amino acid position is conserved. In addition, the in silico prediction for this alteration is inconclusive. Since supporting evidence is limited at this time, the clinical significance of this alteration remains unclear.

NM_052947.4(ALPK2):c.5866G>A (p.Val1956Met)

Gene: ALPK2 (alpha kinase 2; minus strand). Cytogenetic location: 18q21.31.
Variant type: single nucleotide variant.
Coding change: c.5866G>A on transcript NM_052947.4 (MANE Select); coding-DNA position 5866, G replaced by A.
Protein change: p.Val1956Met; replaces valine 1956 with methionine.
Molecular consequence: missense variant.
Genome position (GRCh38, 1-based): chr18:58,516,982, C>T on the plus strand (G>A on the coding strand, the complement: ALPK2 is on the minus strand). VCF-style: chr18-58516982-C-T. GRCh37 (hg19) VCF-style: chr18-56184214-C-T.
Other names: short protein forms V1956M.
Identifiers: ClinVar variation 1750167 (VCV001750167.3), dbSNP rs1160963206, ClinGen allele CA402548431.
Genomic context (GRCh38, chr18:58,516,982, plus strand): 5'-TGTAGTTCCTTTGGATGAGCTCATCATTATTTCTGGTCCCATAGGCAATGGCATTGTGCA[C>T]CTTAAGCACACAGGCATGGCCAGGTTTGAAGACAGGCATGAGGCCGTGCATCACTGTGCT-3'
Protein context (NP_443179.3, residues 1946-1966): FKPGHACVLK[Val1956Met]HNAIAYGTRN